The following is an entry in ClinVar:

ClinVar aggregate classification (germline): Uncertain significance (1 of 4 stars; one submission).

Conditions:
Pigmentary pallidal degeneration (NBIA1). Also called: Neurodegeneration with brain iron accumulation 1; Pantothenate Kinase-Associated Neurodegeneration; Neuroaxonal dystrophy, late infantile; Hallervorden-Spatz disease; PKAN NEUROAXONAL DYSTROPHY, JUVENILE-ONSET; HARP SYNDROME. Identifiers: Orphanet 157850, MedGen C0018523, MONDO:0009319, OMIM 234200.

Allele frequency attached by ClinVar (database versions not stated): gnomAD exomes below 0.00001.
gnomAD v4.1: 3 of 1,614,072 alleles (0.00019%); highest among the groups gnomAD compares: South Asian, 0.0011%; no homozygotes.

Submission:

Labcorp Genetics (formerly Invitae), Labcorp
Classification: Uncertain significance for Pigmentary pallidal degeneration. Last evaluated: 2021-12-02. Review status: criteria provided, single submitter. Criteria: Invitae Variant Classification Sherloc (09022015). Collection method: clinical testing. Allele origin: germline.
Comment: This sequence change replaces glutamine, which is neutral and polar, with glutamic acid, which is acidic and polar, at codon 516 of the PANK2 protein (p.Gln516Glu). This variant is present in population databases (no rsID available, gnomAD 0.003%). This variant has not been reported in the literature in individuals affected with PANK2-related conditions. Algorithms developed to predict the effect of missense changes on protein structure and function (SIFT, PolyPhen-2, Align-GVGD) all suggest that this variant is likely to be tolerated. In summary, the available evidence is currently insufficient to determine the role of this variant in disease. Therefore, it has been classified as a Variant of Uncertain Significance.

NM_001386393.1(PANK2):c.1216C>G (p.Gln406Glu)

Gene: PANK2 (pantothenate kinase 2; plus strand). Cytogenetic location: 20p13.
Variant type: single nucleotide variant.
Coding change: c.1216C>G on transcript NM_001386393.1 (MANE Select); coding-DNA position 1216, C replaced by G.
Protein change: p.Gln406Glu; replaces glutamine 406 with glutamic acid.
Molecular consequence: missense variant. On other transcripts: non-coding transcript variant (1).
Genome position (GRCh38, 1-based): chr20:3,918,680, C>G. VCF-style: chr20-3918680-C-G. GRCh37 (hg19) VCF-style: chr20-3899327-C-G.
Other names: c.673C>G, p.Gln225Glu (NM_001324191.2, NM_024960.6, NM_153640.4); c.238C>G, p.Gln80Glu (NM_001324193.2); c.1546C>G, p.Gln516Glu (NM_153638.4); short protein forms Q406E, Q80E, Q225E, Q516E.
Identifiers: ClinVar variation 1466342 (VCV001466342.5), dbSNP rs1183095944, ClinGen allele CA408120244.